The following is an entry in ClinVar:

ClinVar aggregate classification (germline): Uncertain significance. Review status: criteria provided, multiple submitters, no conflicts (2 of 4 stars). 2 submissions from 2 submitters: Uncertain significance (2). Last evaluated 2024-05-16.

Conditions:
CHARGE syndrome (CHARGE). Also called: Hittner Hirsch Kreh syndrome; CHARGE ASSOCIATION--COLOBOMA, HEART ANOMALY, CHOANAL ATRESIA, RETARDATION, GENITAL AND EAR ANOMALIES; Coloboma, heart anomaly, choanal atresia, retardation, genital and ear anomalies; CHARGE association; Hall-Hittner syndrome. Identifiers: Orphanet 138, MedGen C0265354, MONDO:0008965.

Submissions (2):

Women's Health and Genetics/Laboratory Corporation of America, LabCorp
Classification: Uncertain significance. Last evaluated: 2024-05-16. Review status: criteria provided, single submitter. Criteria: LabCorp Variant Classification Summary - May 2015. Collection method: clinical testing. Allele origin: germline.
Comment: Variant summary: SEMA3E c.1207C>T (p.Arg403X) results in a premature termination codon, predicted to cause a truncation of the encoded protein or absence of the protein due to nonsense mediated decay, however current evidence is not sufficient to establish loss-of-function variants in SEMA3E as causative of disease. The variant allele was found at a frequency of 4e-06 in 251180 control chromosomes. The available data on variant occurrences in the general population are insufficient to allow any conclusion about variant significance. To our knowledge, no occurrence of c.1207C>T in individuals affected with SEMA3E-Related Disorders and no experimental evidence demonstrating its impact on protein function have been reported. No submitters have cited clinical-significance assessments for this variant to ClinVar. Based on the evidence outlined above, the variant was classified as uncertain significance.

Labcorp Genetics (formerly Invitae), Labcorp
Classification: Uncertain significance for CHARGE syndrome. Last evaluated: 2024-02-20. Review status: criteria provided, single submitter. Criteria: Invitae Variant Classification Sherloc (09022015). Collection method: clinical testing. Allele origin: germline.
Comment: This sequence change creates a premature translational stop signal (p.Arg403*) in the SEMA3E gene. It is expected to result in an absent or disrupted protein product. However, the current clinical and genetic evidence is not sufficient to establish whether loss-of-function variants in SEMA3E cause disease. This variant is present in population databases (rs763314856, gnomAD 0.0009%). This variant has not been reported in the literature in individuals affected with SEMA3E-related conditions. In summary, the available evidence is currently insufficient to determine the role of this variant in disease. Therefore, it has been classified as a Variant of Uncertain Significance.

NM_012431.3(SEMA3E):c.1207C>T (p.Arg403Ter)

Gene: SEMA3E (semaphorin 3E; minus strand). Cytogenetic location: 7q21.11.
Variant type: single nucleotide variant.
Coding change: c.1207C>T on transcript NM_012431.3 (MANE Select); coding-DNA position 1207, C replaced by T.
Protein change: p.Arg403Ter; replaces arginine 403 with a stop codon.
Molecular consequence: nonsense.
Genome position (GRCh38, 1-based): chr7:83,400,187, G>A on the plus strand (C>T on the coding strand, the complement: SEMA3E is on the minus strand). VCF-style: chr7-83400187-G-A. GRCh37 (hg19) VCF-style: chr7-83029503-G-A.
Other names: c.1027C>T, p.Arg343Ter (NM_001178129.2); short protein forms R343*, R403*.
Identifiers: ClinVar variation 3336536 (VCV003336536.3).
Genomic context (GRCh38, chr7:83,400,187, plus strand): 5'-TTGGTTTTTTATGGGCAGGTTTTATGGCCTGGTACATTAGTGGATGACTTCTTGCAAATC[G>A]GATGGCATCATCAGGATAGTCCTTGGTGGTTCCGTATCTCCCTCCATTTACTTTGCTGGC-3'